The following is an entry in ClinVar:

ClinVar aggregate classification (germline): Conflicting classifications of pathogenicity. Review status: criteria provided, conflicting classifications (1 of 4 stars). 2 submissions from 2 submitters: Uncertain significance (1); Likely benign (1). Last evaluated 2026-03-21.

Conditions:
Primary ciliary dyskinesia. Also called: Ciliary dyskinesia. Identifiers: Orphanet 244, MedGen C0008780, MONDO:0016575, HP:0012265.

Allele frequency attached by ClinVar (database versions not stated): TOPMed 0.00001; gnomAD exomes 0.00001.
gnomAD v4.1: 4 of 1,613,782 alleles (0.00025%); highest among the groups gnomAD compares: Admixed American, 0.0017%; no homozygotes.

Submissions (2):

Ambry Genetics
Classification: Uncertain significance for Primary ciliary dyskinesia. Last evaluated: 2026-03-21. Review status: criteria provided, single submitter. Criteria: Ambry Variant Classification Scheme 2023. Collection method: clinical testing. Allele origin: germline.
Comment: The p.M3245V variant (also known as c.9733A>G), located in coding exon 59 of the DNAH11 gene, results from an A to G substitution at nucleotide position 9733. The methionine at codon 3245 is replaced by valine, an amino acid with highly similar properties. This amino acid position is conserved. In addition, the in silico prediction for this alteration is inconclusive. Based on the available evidence, the clinical significance of this variant remains unclear.

Labcorp Genetics (formerly Invitae), Labcorp
Classification: Likely benign for Primary ciliary dyskinesia. Last evaluated: 2023-12-19. Review status: criteria provided, single submitter. Criteria: Invitae Variant Classification Sherloc (09022015). Collection method: clinical testing. Allele origin: germline.

NM_001277115.2(DNAH11):c.9733A>G (p.Met3245Val)

Gene: DNAH11 (dynein axonemal heavy chain 11; plus strand). Cytogenetic location: 7p15.3.
Variant type: single nucleotide variant.
Coding change: c.9733A>G on transcript NM_001277115.2 (MANE Select); coding-DNA position 9733, A replaced by G.
Protein change: p.Met3245Val; replaces methionine 3245 with valine.
Molecular consequence: missense variant.
Genome position (GRCh38, 1-based): chr7:21,786,759, A>G. VCF-style: chr7-21786759-A-G. GRCh37 (hg19) VCF-style: chr7-21826377-A-G.
Other names: short protein forms M3245V.
Identifiers: ClinVar variation 641499 (VCV000641499.11), dbSNP rs1307575374, ClinGen allele CA366940877.